The following is an entry in ClinVar:

ClinVar aggregate classification (germline): Likely pathogenic (1 of 4 stars; one submission).

Submission:

Labcorp Genetics (formerly Invitae), Labcorp
Classification: Likely pathogenic. Last evaluated: 2022-05-11. Review status: criteria provided, single submitter. Criteria: Invitae Variant Classification Sherloc (09022015). Collection method: clinical testing. Allele origin: germline.
Comment: Algorithms developed to predict the effect of missense changes on protein structure and function are either unavailable or do not agree on the potential impact of this missense change (SIFT: "Deleterious"; PolyPhen-2: "Possibly Damaging"; Align-GVGD: "Class C15"). This missense change has been observed in individual(s) with pseudoachondroplasia (PMID: 9921895). In at least one individual the variant was observed to be de novo. This variant is not present in population databases (gnomAD no frequency). This sequence change replaces aspartic acid, which is acidic and polar, with asparagine, which is neutral and polar, at codon 290 of the COMP protein (p.Asp290Asn). Algorithms developed to predict the effect of sequence changes on RNA splicing suggest that this variant may create or strengthen a splice site. In summary, the currently available evidence indicates that the variant is pathogenic, but additional data are needed to prove that conclusively. Therefore, this variant has been classified as Likely Pathogenic. This variant disrupts the p.Asp290 amino acid residue in COMP. Other variant(s) that disrupt this residue have been observed in individuals with COMP-related conditions (PMID: 21922596), which suggests that this may be a clinically significant amino acid residue.

Literature cited by the submitters: PubMed 9921895; PubMed 21922596.

NM_000095.3(COMP):c.868G>A (p.Asp290Asn)

Gene: COMP (cartilage oligomeric matrix protein; minus strand). Cytogenetic location: 19p13.11.
Variant type: single nucleotide variant.
Coding change: c.868G>A on transcript NM_000095.3 (MANE Select); coding-DNA position 868, G replaced by A.
Protein change: p.Asp290Asn; replaces aspartic acid 290 with asparagine.
Molecular consequence: missense variant.
Genome position (GRCh38, 1-based): chr19:18,788,319, C>T on the plus strand (G>A on the coding strand, the complement: COMP is on the minus strand). VCF-style: chr19-18788319-C-T. GRCh37 (hg19) VCF-style: chr19-18899128-C-T.
Other names: short protein forms D290N.
Identifiers: ClinVar variation 2138266 (VCV002138266.4), dbSNP rs2145903266, ClinGen allele CA404891903.